The following is an entry in ClinVar:

NM_000108.5(DLD):c.*978T>C

Gene: DLD (dihydrolipoamide dehydrogenase; plus strand). Cytogenetic location: 7q31.1.
Variant type: single nucleotide variant.
Coding change: c.*978T>C on transcript NM_000108.5 (MANE Select); 978 bases downstream of the stop codon, T replaced by C.
Molecular consequence: 3 prime UTR variant.
Genome position (GRCh38, 1-based): chr7:107,920,237, T>C. VCF-style: chr7-107920237-T-C. GRCh37 (hg19) VCF-style: chr7-107560682-T-C.
Other names: c.*978T>C (NM_001289750.1, NM_001289751.1, NM_001289752.1).
Identifiers: ClinVar variation 358584 (VCV000358584.6), dbSNP rs2158835, ClinGen allele CA10625090.

ClinVar aggregate classification (germline): Benign. Review status: criteria provided, multiple submitters, no conflicts (2 of 4 stars). 4 submissions from 2 submitters: Benign (4). Last evaluated 2018-01-13.

Conditions:
Pyruvate dehydrogenase E3 deficiency (DLDD). Also called: Lipoamide dehydrogenase deficiency, lactic acidosis due to; Lipoamide dehydrogenase deficiency; Dihydrolipoamide Dehydrogenase (E3) Deficiency; MAPLE SYRUP URINE DISEASE, TYPE III; DLD DEFICIENCY; E3 DEFICIENCY. Identifiers: Orphanet 2394, Orphanet 765, MedGen C5574660, MONDO:0009529, OMIM 246900.
Leigh syndrome (NULS). Also called: Subacute necrotizing encephalopathy; Necrotizing encephalopathy infantile subacute of Leigh; Leigh's syndrome; Leigh Disease; Leigh's necrotizing encephalopathy; Leigh's disease. Identifiers: Orphanet 506, MedGen C2931891, MONDO:0009723, OMIM 256000.
Pyruvate dehydrogenase complex deficiency (PDHC). Also called: Pyruvate dehydrogenase deficiency; Ataxia with lactic acidosis 1; PYRUVATE DECARBOXYLASE DEFICIENCY; PDH DEFICIENCY; Pyruvate Dehydrogenase Complex Deficiency Disease. Identifiers: Orphanet 765, Orphanet 79243, MedGen C0034345, MONDO:0019169.

Allele frequency attached by ClinVar (database versions not stated): gnomAD exomes 0.54286; gnomAD 0.65994 and 0.66205; TOPMed 0.66755; 1000 Genomes Project 0.71466; 1000 Genomes Project 30x 0.71643.
gnomAD v4.1: 100,423 of 152,192 alleles (66%); highest among the groups gnomAD compares: East Asian, 84%; 33,943 homozygotes.

Submissions (4):

Illumina Laboratory Services, Illumina
Classification: Benign for Leigh syndrome. Last evaluated: 2018-01-13. Review status: criteria provided, single submitter. Criteria: ICSL Variant Classification Criteria 13 December 2019. Collection method: clinical testing. Allele origin: germline.
Comment: This variant was observed in the ICSL laboratory as part of a predisposition screen in an ostensibly healthy population. It had not been previously curated by ICSL or reported in the Human Gene Mutation Database (HGMD: prior to June 1st, 2018), and was therefore a candidate for classification through an automated scoring system. Utilizing variant allele frequency, disease prevalence and penetrance estimates, and inheritance mode, an automated score was calculated to assess if this variant is too frequent to cause the disease. Based on the score and internal cut-off values, a variant classified as benign is not then subjected to further curation. The score for this variant resulted in a classification of benign for this disease.

Illumina Laboratory Services, Illumina
Classification: Benign for Pyruvate dehydrogenase complex deficiency. Last evaluated: 2018-01-13. Review status: criteria provided, single submitter. Criteria: ICSL Variant Classification Criteria 13 December 2019. Collection method: clinical testing. Allele origin: germline.
Comment: the same text as in the submission from Illumina Laboratory Services, Illumina above.

Illumina Laboratory Services, Illumina
Classification: Benign for Pyruvate dehydrogenase E3 deficiency. Last evaluated: 2018-01-13. Review status: criteria provided, single submitter. Criteria: ICSL Variant Classification Criteria 13 December 2019. Collection method: clinical testing. Allele origin: germline.
Comment: the same text as in the submission from Illumina Laboratory Services, Illumina above.

Breakthrough Genomics
Classification: Benign. Review status: criteria provided, single submitter. Criteria: ACMG Guidelines, 2015. Collection method: not provided. Allele origin: germline. Inheritance: Autosomal recessive inheritance. Affected: yes.